The following is an entry in ClinVar:

ClinVar aggregate classification (germline): Likely benign. Review status: criteria provided, multiple submitters, no conflicts (2 of 4 stars). 4 submissions from 4 submitters: Likely benign (3). 1 of the submissions does not count toward it. Last evaluated 2026-01-09.

Conditions:
PPP2R1A-related disorder.

Allele frequency attached by ClinVar (database versions not stated): gnomAD exomes 0.00010; ExAC 0.00011; gnomAD 0.00013 and 0.00016; TOPMed 0.00014; ESP Exome Variant Server 0.00023; 1000 Genomes Project 0.00040; 1000 Genomes Project 30x 0.00047.
gnomAD v4.1: 171 of 1,614,098 alleles (0.011%); highest among the groups gnomAD compares: Middle Eastern, 0.049%; no homozygotes.

Submissions (4):

Labcorp Genetics (formerly Invitae), Labcorp
Classification: Likely benign. Last evaluated: 2026-01-09. Review status: criteria provided, single submitter. Criteria: Invitae Variant Classification Sherloc (09022015). Collection method: clinical testing. Allele origin: germline.

CeGaT Center for Human Genetics Tuebingen
Classification: Likely benign. Last evaluated: 2025-12-01. Review status: criteria provided, single submitter. Criteria: CeGaT Center For Human Genetics Tuebingen Variant Classification Criteria Version 2. Collection method: clinical testing. Allele origin: germline. Affected: yes. Observed: 3 variant alleles.
Comment: PPP2R1A: BP4, BP7

Blueprint Genetics
Classification: Likely benign. Last evaluated: 2024-10-31. Review status: criteria provided, single submitter. Criteria: ACMG Guidelines, 2015. Collection method: clinical testing. Allele origin: germline.

PreventionGenetics, part of Exact Sciences
Classification: Likely benign for PPP2R1A-related condition. Last evaluated: 2024-07-28. Review status: no assertion criteria provided. Collection method: clinical testing. Allele origin: germline. Not counted in ClinVar's aggregate classification.
Comment: This variant is classified as likely benign based on ACMG/AMP sequence variant interpretation guidelines (Richards et al. 2015 PMID: 25741868, with internal and published modifications).

NM_014225.6(PPP2R1A):c.1692A>G (p.Leu564=)

Gene: PPP2R1A (protein phosphatase 2 scaffold subunit Aalpha; plus strand). Cytogenetic location: 19q13.41.
Variant type: single nucleotide variant.
Coding change: c.1692A>G on transcript NM_014225.6 (MANE Select); coding-DNA position 1692, A replaced by G.
Protein change: p.Leu564=; no amino-acid change (leucine 564 retained).
Molecular consequence: synonymous variant. On other transcripts: non-coding transcript variant (1).
Genome position (GRCh38, 1-based): chr19:52,225,747, A>G. VCF-style: chr19-52225747-A-G. GRCh37 (hg19) VCF-style: chr19-52729000-A-G.
Other names: c.1155A>G, p.Leu385= (NM_001363656.2).
Identifiers: ClinVar variation 713028 (VCV000713028.33), dbSNP rs138066943, ClinGen allele CA9621667.
Genomic context (GRCh38, chr19:52,225,747, plus strand): 5'-TCTCTCTCCCTGTCTCCTTTCGCTTTCCAGCACCTTGCAGAGTGAAGTCAAGCCCATCCT[A>G]GAGAAGCTGACCCAGGACCAGGATGTGGACGTCAAATACTTTGCCCAGGAGGCTCTGACT-3'
Protein context (NP_055040.2, residues 554-574): STLQSEVKPI[Leu564=]EKLTQDQDVD